The following is an entry in ClinVar:

NM_016734.3(PAX5):c.883G>A (p.Gly295Ser)

Gene: PAX5 (paired box 5; minus strand). Cytogenetic location: 9p13.2.
Variant type: single nucleotide variant.
Coding change: c.883G>A on transcript NM_016734.3 (MANE Select); coding-DNA position 883, G replaced by A.
Protein change: p.Gly295Ser; replaces glycine 295 with serine.
Molecular consequence: missense variant. On other transcripts: intron variant (2).
Genome position (GRCh38, 1-based): chr9:36,923,382, C>T on the plus strand (G>A on the coding strand, the complement: PAX5 is on the minus strand). VCF-style: chr9-36923382-C-T. GRCh37 (hg19) VCF-style: chr9-36923379-C-T.
Other names: c.754G>A, p.Gly252Ser (NM_001280554.2, NM_001280553.2); c.685G>A, p.Gly229Ser (NM_001280555.2); c.559G>A, p.Gly187Ser (NM_001280556.2, NM_001280551.2); c.780+43167G>A (NM_001280550.2, NM_001280549.2); c.883G>A, p.Gly295Ser (NM_001280547.2, NM_001280548.2, NM_001280552.2); short protein forms G187S, G229S, G252S, G295S.
Identifiers: ClinVar variation 4861617 (VCV004861617.1).

ClinVar aggregate classification (germline): Uncertain significance (1 of 4 stars; one submission).

Conditions:
Inborn genetic diseases. Identifiers: MedGen C0950123, MeSH D030342.

Submission:

Ambry Genetics
Classification: Uncertain significance for Inborn genetic diseases. Last evaluated: 2026-05-18. Review status: criteria provided, single submitter. Criteria: Ambry Variant Classification Scheme 2023. Collection method: clinical testing. Allele origin: germline.
Comment: The p.G295S variant (also known as c.883G>A), located in coding exon 7 of the PAX5 gene, results from a G to A substitution at nucleotide position 883. The glycine at codon 295 is replaced by serine, an amino acid with similar properties. This amino acid position is conserved. In addition, this alteration is predicted to be deleterious by in silico analysis. Based on the available evidence, the clinical significance of this variant remains unclear.